The following is an entry in ClinVar:

NM_001903.5(CTNNA1):c.629C>T (p.Ala210Val)

Gene: CTNNA1 (catenin alpha 1; plus strand). Cytogenetic location: 5q31.2.
Variant type: single nucleotide variant.
Coding change: c.629C>T on transcript NM_001903.5 (MANE Select); coding-DNA position 629, C replaced by T.
Protein change: p.Ala210Val; replaces alanine 210 with valine.
Molecular consequence: missense variant.
Genome position (GRCh38, 1-based): chr5:138,824,570, C>T. VCF-style: chr5-138824570-C-T. GRCh37 (hg19) VCF-style: chr5-138160259-C-T.
Other names: c.629C>T, p.Ala210Val (NM_001290307.3, NM_001323982.2, NM_001323983.1 and 3 more transcripts); c.320C>T, p.Ala107Val (NM_001290309.3); c.260C>T, p.Ala87Val (NM_001290310.3); c.629C>T (NM_001903.2); short protein forms A87V, A210V, A107V.
Identifiers: ClinVar variation 3650518 (VCV003650518.3).

ClinVar aggregate classification (germline): Uncertain significance. Review status: criteria provided, multiple submitters, no conflicts (2 of 4 stars). 2 submissions from 2 submitters: Uncertain significance (2). Last evaluated 2026-07-22.

Conditions:
Hereditary cancer-predisposing syndrome. Also called: Tumor predisposition; Hereditary neoplastic syndrome; Hereditary Cancer Syndrome; Neoplastic Syndromes, Hereditary. Identifiers: Orphanet 140162, MedGen C0027672, MeSH D009386, MONDO:0015356.

gnomAD v4.1: 1 of 1,614,202 alleles (0.000062%); highest among the groups gnomAD compares: Non-Finnish European, 0.000085%; no homozygotes.

Submissions (2):

Ambry Genetics
Classification: Uncertain significance for Hereditary cancer-predisposing syndrome. Last evaluated: 2026-07-22. Review status: criteria provided, single submitter. Criteria: Ambry Variant Classification Scheme 2023. Collection method: clinical testing. Allele origin: germline.
Comment: The p.A210V variant (also known as c.629C>T), located in coding exon 5 of the CTNNA1 gene, results from a C to T substitution at nucleotide position 629. The alanine at codon 210 is replaced by valine, an amino acid with similar properties. This amino acid position is conserved. In addition, the in silico prediction for this alteration is inconclusive. Based on the available evidence, the clinical significance of this variant remains unclear.

Labcorp Genetics (formerly Invitae), Labcorp
Classification: Uncertain significance. Last evaluated: 2024-04-22. Review status: criteria provided, single submitter. Criteria: Invitae Variant Classification Sherloc (09022015). Collection method: clinical testing. Allele origin: germline.
Comment: This sequence change replaces alanine, which is neutral and non-polar, with valine, which is neutral and non-polar, at codon 210 of the CTNNA1 protein (p.Ala210Val). This variant is not present in population databases (gnomAD no frequency). This variant has not been reported in the literature in individuals affected with CTNNA1-related conditions. Advanced modeling of protein sequence and biophysical properties (such as structural, functional, and spatial information, amino acid conservation, physicochemical variation, residue mobility, and thermodynamic stability) performed at Invitae indicates that this missense variant is expected to disrupt CTNNA1 protein function with a positive predictive value of 80%. In summary, the available evidence is currently insufficient to determine the role of this variant in disease. Therefore, it has been classified as a Variant of Uncertain Significance.